The following is an entry in ClinVar:

NM_004430.3(EGR3):c.202C>G (p.Leu68Val)

Gene: EGR3 (early growth response 3; minus strand). Cytogenetic location: 8p21.3.
Variant type: single nucleotide variant.
Coding change: c.202C>G on transcript NM_004430.3 (MANE Select); coding-DNA position 202, C replaced by G.
Protein change: p.Leu68Val; replaces leucine 68 with valine.
Molecular consequence: missense variant.
Genome position (GRCh38, 1-based): chr8:22,691,435, G>C on the plus strand (C>G on the coding strand, the complement: EGR3 is on the minus strand). VCF-style: chr8-22691435-G-C. GRCh37 (hg19) VCF-style: chr8-22548948-G-C.
Other names: c.88C>G, p.Leu30Val (NM_001199880.2); c.40C>G, p.Leu14Val (NM_001199881.2); short protein forms L68V, L30V, L14V.
Identifiers: ClinVar variation 426147 (VCV000426147.2), dbSNP rs1085307474, ClinGen allele CA370564637.

ClinVar aggregate classification (germline): Uncertain significance (1 of 4 stars; one submission).

Allele frequency attached by ClinVar (database versions not stated): gnomAD exomes below 0.00001; TOPMed below 0.00001.
gnomAD v4.1: 1 of 1,614,186 alleles (0.000062%); highest among the groups gnomAD compares: Admixed American, 0.0017%; no homozygotes.

Submission:

GeneDx
Classification: Uncertain significance. Last evaluated: 2018-09-24. Review status: criteria provided, single submitter. Criteria: GeneDx Variant Classification (06012015). Collection method: clinical testing. Allele origin: germline. Affected: yes.
Comment: The L68V variant in the EGR3 gene has not been reported previously as a pathogenic variant, nor as a benign variant, to our knowledge. This variant is not observed in large population cohorts (Lek et al., 2016; 1000 Genomes Consortium et al., 2015; Exome Variant Server). The L68V variant is a conservative amino acid substitution, which is not likely to impact secondary protein structure as these residues share similar properties. This substitution occurs at a position where amino acids with similar properties to Leucine are tolerated across species. In silico analysis is inconsistent in its predictions as to whether or not the variant is damaging to the protein structure/function. Based on currently available evidence, we interpret L68V as a variant of uncertain significance.